The following is an entry in ClinVar:

ClinVar aggregate classification (germline): Uncertain significance. Review status: criteria provided, multiple submitters, no conflicts (2 of 4 stars). 2 submissions from 2 submitters: Uncertain significance (2). Last evaluated 2025-09-14.

Allele frequency attached by ClinVar (database versions not stated): gnomAD exomes below 0.00001; ExAC 0.00001.
gnomAD v4.1: 1 of 1,614,108 alleles (0.000062%); highest among the groups gnomAD compares: South Asian, 0.0011%; no homozygotes.

Submissions (2):

Labcorp Genetics (formerly Invitae), Labcorp
Classification: Uncertain significance. Last evaluated: 2025-09-14. Review status: criteria provided, single submitter. Criteria: Invitae Variant Classification Sherloc (09022015). Collection method: clinical testing. Allele origin: germline.
Comment: This sequence change replaces glutamic acid, which is acidic and polar, with glycine, which is neutral and non-polar, at codon 272 of the MAPKAPK3 protein (p.Glu272Gly). This variant is present in population databases (rs758137071, gnomAD 0.003%). This variant has not been reported in the literature in individuals affected with MAPKAPK3-related conditions. ClinVar contains an entry for this variant (Variation ID: 2621590). An algorithm developed to predict the effect of missense changes on protein structure and function (PolyPhen-2) suggests that this variant is likely to be tolerated. In summary, the available evidence is currently insufficient to determine the role of this variant in disease. Therefore, it has been classified as a Variant of Uncertain Significance.

Ambry Genetics
Classification: Uncertain significance. Last evaluated: 2023-08-28. Review status: criteria provided, single submitter. Criteria: Ambry Variant Classification Scheme 2023. Collection method: clinical testing. Allele origin: germline.

NM_001243925.2(MAPKAPK3):c.815A>G (p.Glu272Gly)

Gene: MAPKAPK3 (MAPK activated protein kinase 3; plus strand). Cytogenetic location: 3p21.2.
Variant type: single nucleotide variant.
Coding change: c.815A>G on transcript NM_001243925.2 (MANE Select); coding-DNA position 815, A replaced by G.
Protein change: p.Glu272Gly; replaces glutamic acid 272 with glycine.
Molecular consequence: missense variant.
Genome position (GRCh38, 1-based): chr3:50,646,250, A>G. VCF-style: chr3-50646250-A-G. GRCh37 (hg19) VCF-style: chr3-50683681-A-G.
Other names: c.815A>G, p.Glu272Gly (NM_001243926.2, NM_004635.5); short protein forms E272G.
Identifiers: ClinVar variation 2621590 (VCV002621590.3), dbSNP rs758137071, ClinGen allele CA2420370.